The following is an entry in ClinVar:

ClinVar aggregate classification (germline): Pathogenic/Likely pathogenic. Review status: criteria provided, multiple submitters, no conflicts (2 of 4 stars). 5 submissions from 5 submitters: Pathogenic (3); Likely pathogenic (2). Last evaluated 2026-03-27.

Conditions:
Inborn genetic diseases. Identifiers: MedGen C0950123, MeSH D030342.
Early-infantile DEE. Also called: Early infantile epileptic encephalopathy; Early infantile epileptic encephalopathy with suppression bursts; Ohtahara syndrome. Identifiers: Orphanet 1934, MedGen C0393706, MONDO:0800491.
Cognitive impairment with or without cerebellar ataxia (CIAT). Identifiers: MedGen C3280415, MONDO:0013680, OMIM 614306.

Submissions (5):

GeneDx
Classification: Pathogenic. Last evaluated: 2026-03-27. Review status: criteria provided, single submitter. Criteria: GeneDx Variant Classification Process June 2021. Collection method: clinical testing. Allele origin: germline.
Comment: Not observed at significant frequency in large population cohorts (gnomAD); In silico analysis supports that this missense variant has a deleterious effect on protein structure/function; Has not been previously published as pathogenic or benign to our knowledge

Labcorp Genetics (formerly Invitae), Labcorp
Classification: Likely pathogenic for Early-infantile DEE. Last evaluated: 2025-12-03. Review status: criteria provided, single submitter. Criteria: Invitae Variant Classification Sherloc (09022015). Collection method: clinical testing. Allele origin: germline.
Comment: This sequence change replaces arginine, which is basic and polar, with cysteine, which is neutral and slightly polar, at codon 1626 of the SCN8A protein (p.Arg1626Cys). This variant is not present in population databases (gnomAD no frequency). This variant has not been reported in the literature in individuals affected with SCN8A-related conditions. ClinVar contains an entry for this variant (Variation ID: 1686172). Invitae Evidence Modeling of protein sequence and biophysical properties (such as structural, functional, and spatial information, amino acid conservation, physicochemical variation, residue mobility, and thermodynamic stability) indicates that this missense variant is expected to disrupt SCN8A protein function with a positive predictive value of 95%. This variant disrupts the p.Arg1626 amino acid residue in SCN8A. Other variant(s) that disrupt this residue have been determined to be pathogenic (PMID: 35701389). This suggests that this residue is clinically significant, and that variants that disrupt this residue are likely to be disease-causing. In summary, the currently available evidence indicates that the variant is pathogenic, but additional data are needed to prove that conclusively. Therefore, this variant has been classified as Likely Pathogenic.

Ambry Genetics
Classification: Pathogenic for Inborn genetic diseases. Last evaluated: 2024-09-17. Review status: criteria provided, single submitter. Criteria: Ambry Variant Classification Scheme 2023. Collection method: clinical testing. Allele origin: germline.
Comment: The c.4876C>T (p.R1626C) alteration is located in exon 27 (coding exon 26) of the SCN8A gene. This alteration results from a C to T substitution at nucleotide position 4876, causing the arginine (R) at amino acid position 1626 to be replaced by a cysteine (C). This variant was not reported in population-based cohorts in the Genome Aggregation Database (gnomAD). This amino acid position is highly conserved in available vertebrate species. This missense alteration is located in a region that has a low rate of benign missense variation (Lek, 2016; Firth, 2009). This alteration is predicted to be deleterious by in silico analysis. Based on the available evidence, this alteration is classified as pathogenic.

CeGaT Center for Human Genetics Tuebingen
Classification: Likely pathogenic. Last evaluated: 2022-12-01. Review status: criteria provided, single submitter. Criteria: CeGaT Center For Human Genetics Tuebingen Variant Classification Criteria Version 2. Collection method: clinical testing. Allele origin: germline. Affected: yes. Observed: 1 variant allele.
Comment: SCN8A: PM1, PM2, PP2, PP3

Mendelics
Classification: Pathogenic for Cognitive impairment with or without cerebellar ataxia. Last evaluated: 2022-05-04. Review status: criteria provided, single submitter. Criteria: Mendelics Assertion Criteria 2019. Collection method: clinical testing. Allele origin: germline.

Literature cited by the submitters: PubMed 35701389 (cited by Labcorp Genetics (formerly Invitae), Labcorp).

NM_001330260.2(SCN8A):c.4876C>T (p.Arg1626Cys)

Gene: SCN8A (sodium voltage-gated channel alpha subunit 8; plus strand). Cytogenetic location: 12q13.13.
Variant type: single nucleotide variant.
Coding change: c.4876C>T on transcript NM_001330260.2 (MANE Select); coding-DNA position 4876, C replaced by T.
Protein change: p.Arg1626Cys; replaces arginine 1626 with cysteine.
Molecular consequence: missense variant.
Genome position (GRCh38, 1-based): chr12:51,806,362, C>T. VCF-style: chr12-51806362-C-T. GRCh37 (hg19) VCF-style: chr12-52200146-C-T.
Other names: c.4876C>T (NM_014191.2, NM_001330260.1); c.4753C>T, p.Arg1585Cys (NM_001177984.3, NM_001369788.1); c.4876C>T, p.Arg1626Cys (NM_014191.4); short protein forms R1585C, R1626C.
Identifiers: ClinVar variation 1686172 (VCV001686172.33), dbSNP rs2138942373, ClinGen allele CA384880423.
Genomic context (GRCh38, chr12:51,806,362, plus strand): 5'-ATTGAGAAATACTTTGTTTCCCCAACCCTATTCCGAGTCATCCGATTGGCCCGTATTGGG[C>T]GCATCTTGCGTCTGATCAAAGGCGCCAAAGGGATTCGTACCCTGCTCTTTGCCTTAATGA-3'
Protein context (NP_001317189.1, residues 1616-1636): FRVIRLARIG[Arg1626Cys]ILRLIKGAKG